The following is an entry in ClinVar:

ClinVar aggregate classification (germline): Uncertain significance (1 of 4 stars; one submission).

Conditions:
Hereditary cancer-predisposing syndrome. Also called: Neoplastic Syndromes, Hereditary; Tumor predisposition; Hereditary Cancer Syndrome; Hereditary neoplastic syndrome. Identifiers: Orphanet 140162, MedGen C0027672, MeSH D009386, MONDO:0015356.

Submission:

Ambry Genetics
Classification: Uncertain significance for Hereditary cancer-predisposing syndrome. Last evaluated: 2015-09-18. Review status: criteria provided, single submitter. Criteria: Ambry Variant Classification Scheme 2023. Collection method: clinical testing. Allele origin: germline.
Comment: The p.I80L variant (also known as c.238A>T), located in coding exon 2 of the BRCA2 gene, results from an A to T substitution at nucleotide position 238. The isoleucine at codon 80 is replaced by leucine, an amino acid with highly similar properties. This variant was not reported in population based cohorts in the following databases: Database of Single Nucleotide Polymorphisms (dbSNP), NHLBI Exome Sequencing Project (ESP), and 1000 Genomes Project. In the ESP, this variant was not observed in 6503 samples (13006 alleles) with coverage at this position. To date, this alteration has been detected with an allele frequency of approximately 0.001% (greater than 150000 alleles tested) in our clinical cohort. This amino acid position is not well conserved in available vertebrate species. In addition, this alteration is predicted to be tolerated by in silico analysis. Since supporting evidence is limited at this time, the clinical significance of p.I80L remains unclear.

NM_000059.4(BRCA2):c.238A>T (p.Ile80Leu)

Gene: BRCA2 (BRCA2 DNA repair associated; plus strand). Cytogenetic location: 13q13.1.
Variant type: single nucleotide variant.
Coding change: c.238A>T on transcript NM_000059.4 (MANE Select); coding-DNA position 238, A replaced by T.
Protein change: p.Ile80Leu; replaces isoleucine 80 with leucine.
Molecular consequence: missense variant.
Genome position (GRCh38, 1-based): chr13:32,319,247, A>T. VCF-style: chr13-32319247-A-T. GRCh37 (hg19) VCF-style: chr13-32893384-A-T.
Other names: short protein forms I80L.
Identifiers: ClinVar variation 233913 (VCV000233913.5), dbSNP rs876660626, ClinGen allele CA10579450.